The following is an entry in ClinVar:

ClinVar aggregate classification (germline): Uncertain significance (1 of 4 stars; one submission).

Conditions:
Leigh syndrome (NULS). Also called: Leigh's necrotizing encephalopathy; Leigh's disease; Leigh Syndrome (mtDNA deletion); Leigh Disease; Subacute necrotizing encephalopathy; Necrotizing encephalopathy infantile subacute of Leigh. Identifiers: Orphanet 506, MedGen C2931891, MONDO:0009723, OMIM 256000.

Submission:

Wong Mito Lab, Molecular and Human Genetics, Baylor College of Medicine
Classification: Uncertain significance for Leigh syndrome. Last evaluated: 2019-10-17. Review status: criteria provided, single submitter. Criteria: Modified ACMG Guidelines (Unpublished). Collection method: clinical testing. Allele origin: germline.
Comment: The NC_012920.1:m.10110A>G (YP_003024033.1:p.Met18Val) variant in MTND3 gene is interpretated to be a Uncertain Significance variant based on the modified ACMG guidelines (unpublished). This variant meets the following evidence codes: PM10, PP7

NC_012920.1(MT-ND3):m.10110A>G

Gene: MT-ND3 (mitochondrially encoded NADH dehydrogenase 3; plus strand).
Variant type: single nucleotide variant.
Genome position: chrM-10110-A-G.
Identifiers: ClinVar variation 693262 (VCV000693262.1), dbSNP rs1603222674, ClinGen allele CA414804289.